The following is an entry in ClinVar:

ClinVar aggregate classification (germline): Uncertain significance (1 of 4 stars; one submission).

Conditions:
Spastic paraplegia. Identifiers: MedGen C0037772, HP:0001258.

Submission:

Labcorp Genetics (formerly Invitae), Labcorp
Classification: Uncertain significance for Spastic paraplegia. Last evaluated: 2024-12-19. Review status: criteria provided, single submitter. Criteria: Invitae Variant Classification Sherloc (09022015). Collection method: clinical testing. Allele origin: germline.
Comment: This sequence change replaces phenylalanine, which is neutral and non-polar, with leucine, which is neutral and non-polar, at codon 1219 of the L1CAM protein (p.Phe1219Leu). This variant is not present in population databases (gnomAD no frequency). This variant has not been reported in the literature in individuals affected with L1CAM-related conditions. Invitae Evidence Modeling of protein sequence and biophysical properties (such as structural, functional, and spatial information, amino acid conservation, physicochemical variation, residue mobility, and thermodynamic stability) has been performed for this missense variant. However, the output from this modeling did not meet the statistical confidence thresholds required to predict the impact of this variant on L1CAM protein function. In summary, the available evidence is currently insufficient to determine the role of this variant in disease. Therefore, it has been classified as a Variant of Uncertain Significance.

NM_001278116.2(L1CAM):c.3655T>C (p.Phe1219Leu)

Gene: L1CAM (L1 cell adhesion molecule; minus strand). Cytogenetic location: Xq28.
Variant type: single nucleotide variant.
Coding change: c.3655T>C on transcript NM_001278116.2 (MANE Select); coding-DNA position 3655, T replaced by C.
Protein change: p.Phe1219Leu; replaces phenylalanine 1219 with leucine.
Molecular consequence: missense variant.
Genome position (GRCh38, 1-based): chrX:153,862,782, A>G on the plus strand (T>C on the coding strand, the complement: L1CAM is on the minus strand). VCF-style: chrX-153862782-A-G. GRCh37 (hg19) VCF-style: chrX-153128237-A-G.
Other names: c.3655T>C, p.Phe1219Leu (NM_000425.5); c.3628T>C, p.Phe1210Leu (NM_001143963.2); c.3643T>C, p.Phe1215Leu (NM_024003.3); short protein forms F1215L, F1219L, F1210L.
Identifiers: ClinVar variation 3636359 (VCV003636359.2).